The following is an entry in ClinVar:

NM_001033855.3(DCLRE1C):c.212C>T (p.Thr71Met)

Gene: DCLRE1C (DNA cross-link repair 1C; minus strand). Cytogenetic location: 10p13.
Variant type: single nucleotide variant.
Coding change: c.212C>T on transcript NM_001033855.3 (MANE Select); coding-DNA position 212, C replaced by T.
Protein change: p.Thr71Met; replaces threonine 71 with methionine.
Molecular consequence: missense variant. On other transcripts: 5 prime UTR variant (8), non-coding transcript variant (4), intron variant (1).
Genome position (GRCh38, 1-based): chr10:14,945,139, G>A on the plus strand (C>T on the coding strand, the complement: DCLRE1C is on the minus strand). VCF-style: chr10-14945139-G-A. GRCh37 (hg19) VCF-style: chr10-14987138-G-A.
Other names: NM_001033855.3(DCLRE1C):c.212C>T; p.Thr71Met; c.-149C>T (NM_001033857.3, NM_001289077.2, NM_001350967.2); c.-471C>T (NM_001033858.3, NM_001289079.2); c.-78C>T (NM_001289078.2, NM_001350966.2, NM_022487.4); c.212C>T, p.Thr71Met (NM_001350965.2); c.-44+3897C>T (NM_001289076.2); short protein forms T71M.
Identifiers: ClinVar variation 536367 (VCV000536367.6), dbSNP rs147013097, ClinGen allele CA5416976.

ClinVar aggregate classification (germline): Uncertain significance. Review status: reviewed by expert panel (3 of 4 stars). 4 submissions from 4 submitters: Uncertain significance (1). 3 of the submissions do not count toward it. Last evaluated 2024-02-15.

Conditions:
Athabaskan severe combined immunodeficiency (SCIDA). Also called: Severe combined immunodeficiency, athabascan-type. Identifiers: MedGen C1865370.
Severe combined immunodeficiency due to DCLRE1C deficiency (RS-SCID). Also called: SCID, AUTOSOMAL RECESSIVE, T CELL-NEGATIVE, B CELL-NEGATIVE, NK CELL-POSITIVE, WITH SENSITIVITY TO IONIZING RADIATION. Identifiers: Orphanet 275, MedGen C1865371, MONDO:0011225, OMIM 602450.
Histiocytic medullary reticulosis. Also called: Omenn syndrome; SEVERE COMBINED IMMUNODEFICIENCY WITH HYPEREOSINOPHILIA. Identifiers: Orphanet 39041, MedGen C2700553, MONDO:0011338, OMIM 603554.

Allele frequency attached by ClinVar (database versions not stated): ESP Exome Variant Server 0.00008; ExAC 0.00017; 1000 Genomes Project 0.00040; TOPMed 0.00019; 1000 Genomes Project 30x 0.00031; gnomAD exomes 0.00015.
gnomAD v4.1: 350 of 1,612,678 alleles (0.022%); highest among the groups gnomAD compares: Admixed American, 0.032%; no homozygotes.

Submissions (4):

ClinGen Severe Combined Immunodeficiency Variant Curation Expert Panel, ClinGen
Classification: Uncertain significance for Severe combined immunodeficiency due to DCLRE1C deficiency. Last evaluated: 2024-02-15. Review status: reviewed by expert panel. Criteria: ClinGen SCID ACMG Specifications DCLRE1C V1.0.0. Collection method: curation. Allele origin: germline. Inheritance: Autosomal recessive inheritance.
Comment: The c.212C>T (NM_001033855.3) variant in DCLRE1C is a missense variant predicted to cause substitution of Threonine by Methionine at amino acid 71 (p.Thr71Met). The filtering allele frequency (the upper threshold of the 95% CI of 303/1179486 alleles) of the c.212C>T variant in DCLRE1C is 0.0002288 for European (non-Finnish) chromosomes by gnomAD v4, which is lower than the SCID-VCEP threshold for BS1 (>0.00078) and BA1 (>0.00346) but higher than the threshold (<0.00003266) for PM2_Supporting (BS1 not met, BA1 not met, PM2_Supporting not met). To our knowledge, this variant has not been reported in the literature in individuals affected with DCLRE1C-related conditions or in functional studies. In summary, this variant meets the criteria to be classified as a variant of uncertain significance for autosomal recessive severe combined immunodeficiency due to DCLRE1C deficiency based on the ACMG/AMP criteria applied, as specified by the ClinGen SCID VCEP (specification version 1.0): No criteria were applied.

Labcorp Genetics (formerly Invitae), Labcorp
Classification: Uncertain significance for Athabaskan severe combined immunodeficiency. Last evaluated: 2022-10-01. Review status: criteria provided, single submitter. Criteria: Invitae Variant Classification Sherloc (09022015). Collection method: clinical testing. Allele origin: germline. Not counted in ClinVar's aggregate classification.
Comment: This sequence change replaces threonine, which is neutral and polar, with methionine, which is neutral and non-polar, at codon 71 of the DCLRE1C protein (p.Thr71Met). This variant is present in population databases (rs147013097, gnomAD 0.02%). This variant has not been reported in the literature in individuals affected with DCLRE1C-related conditions. ClinVar contains an entry for this variant (Variation ID: 536367). Advanced modeling of protein sequence and biophysical properties (such as structural, functional, and spatial information, amino acid conservation, physicochemical variation, residue mobility, and thermodynamic stability) performed at Invitae indicates that this missense variant is not expected to disrupt DCLRE1C protein function. In summary, the available evidence is currently insufficient to determine the role of this variant in disease. Therefore, it has been classified as a Variant of Uncertain Significance.

Fulgent Genetics
Classification: Uncertain significance for Severe combined immunodeficiency due to DCLRE1C deficiency; Histiocytic medullary reticulosis. Last evaluated: 2021-10-18. Review status: criteria provided, single submitter. Criteria: ACMG Guidelines, 2015. Collection method: clinical testing. Allele origin: unknown. Not counted in ClinVar's aggregate classification.

Natera, Inc.
Classification: Uncertain significance for Athabascan severe combined immunodeficiency. Last evaluated: 2020-01-13. Review status: no assertion criteria provided. Collection method: clinical testing. Allele origin: germline. Not counted in ClinVar's aggregate classification.